The following is an entry in ClinVar:

NM_001128205.2(SULF1):c.1708C>T (p.Pro570Ser)

Gene: SULF1 (sulfatase 1; plus strand). Cytogenetic location: 8q13.3.
Variant type: single nucleotide variant.
Coding change: c.1708C>T on transcript NM_001128205.2 (MANE Select); coding-DNA position 1708, C replaced by T.
Protein change: p.Pro570Ser; replaces proline 570 with serine.
Molecular consequence: missense variant. On other transcripts: 5 prime UTR variant (1), non-coding transcript variant (7).
Genome position (GRCh38, 1-based): chr8:69,624,055, C>T. VCF-style: chr8-69624055-C-T. GRCh37 (hg19) VCF-style: chr8-70536290-C-T.
Other names: c.1708C>T, p.Pro570Ser (NM_001128204.2, NM_001128206.2, NM_001412828.1 and 9 more transcripts); c.1579C>T, p.Pro527Ser (NM_001412840.1, NM_001412832.1, NM_001412838.1 and 1 more transcripts); c.1522C>T, p.Pro508Ser (NM_001412841.1, NM_001412842.1); c.1108C>T, p.Pro370Ser (NM_001412844.1, NM_001412845.1); c.-84C>T (NM_001412846.1); c.1651C>T, p.Pro551Ser (NM_001412836.1, NM_001412837.1); short protein forms P370S, P508S, P527S, P551S, P570S.
Identifiers: ClinVar variation 3619573 (VCV003619573.2).

ClinVar aggregate classification (germline): Uncertain significance (1 of 4 stars; one submission).

Submission:

Labcorp Genetics (formerly Invitae), Labcorp
Classification: Uncertain significance. Last evaluated: 2024-06-04. Review status: criteria provided, single submitter. Criteria: Invitae Variant Classification Sherloc (09022015). Collection method: clinical testing. Allele origin: germline.
Comment: This sequence change replaces proline, which is neutral and non-polar, with serine, which is neutral and polar, at codon 570 of the SULF1 protein (p.Pro570Ser). This variant is not present in population databases (gnomAD no frequency). This variant has not been reported in the literature in individuals affected with SULF1-related conditions. An algorithm developed to predict the effect of missense changes on protein structure and function (PolyPhen-2) suggests that this variant is likely to be tolerated. In summary, the available evidence is currently insufficient to determine the role of this variant in disease. Therefore, it has been classified as a Variant of Uncertain Significance.